The following is an entry in ClinVar:

ClinVar aggregate classification (germline): Uncertain significance (1 of 4 stars; one submission).

Submission:

CeGaT Center for Human Genetics Tuebingen
Classification: Uncertain significance. Last evaluated: 2025-02-01. Review status: criteria provided, single submitter. Criteria: CeGaT Center For Human Genetics Tuebingen Variant Classification Criteria Version 2. Collection method: clinical testing. Allele origin: germline. Affected: yes. Observed: 1 variant allele.
Comment: TTN: PM2

NM_001267550.2(TTN):c.71201T>A (p.Ile23734Asn)

Genes: TTN (titin; minus strand), TTN-AS1 (TTN antisense RNA 1; plus strand). Cytogenetic location: 2q31.2.
Variant type: single nucleotide variant.
Coding change: c.71201T>A on transcript NM_001267550.2 (MANE Select); coding-DNA position 71201, T replaced by A.
Protein change: p.Ile23734Asn; replaces isoleucine 23734 with asparagine.
Molecular consequence: missense variant.
Genome position (GRCh38, 1-based): chr2:178,574,931, A>T on the plus strand (T>A on the coding strand, the complement: TTN is on the minus strand). VCF-style: chr2-178574931-A-T. GRCh37 (hg19) VCF-style: chr2-179439658-A-T.
Other names: c.66278T>A, p.Ile22093Asn (NM_001256850.1); c.44006T>A, p.Ile14669Asn (NM_003319.4); c.63497T>A, p.Ile21166Asn (NM_133378.4); c.44381T>A, p.Ile14794Asn (NM_133432.3); c.44582T>A, p.Ile14861Asn (NM_133437.4); short protein forms I14669N, I14794N, I14861N, I21166N, I22093N, I23734N.
Identifiers: ClinVar variation 3772414 (VCV003772414.13).